The following is an entry in ClinVar:

ClinVar aggregate classification (germline): Benign/Likely benign. Review status: criteria provided, multiple submitters, no conflicts (2 of 4 stars). 5 submissions from 5 submitters: Benign (3); Likely benign (1). 1 of the submissions does not count toward it. Last evaluated 2026-01-28.

Conditions:
Nemaline myopathy 2 (NEM2). Also called: Nemaline myopathy 2, autosomal recessive. Identifiers: MedGen C1850569, MONDO:0009725, OMIM 256030.

Submissions (5):

Labcorp Genetics (formerly Invitae), Labcorp
Classification: Benign for Nemaline myopathy 2. Last evaluated: 2026-01-28. Review status: criteria provided, single submitter. Criteria: Invitae Variant Classification Sherloc (09022015). Collection method: clinical testing. Allele origin: germline.

Blueprint Genetics
Classification: Likely benign. Last evaluated: 2024-11-25. Review status: criteria provided, single submitter. Criteria: ACMG Guidelines, 2015. Collection method: clinical testing. Allele origin: germline.

Mayo Clinic Laboratories, Mayo Clinic
Classification: Benign. Last evaluated: 2024-07-30. Review status: criteria provided, single submitter. Criteria: ACMG Guidelines, 2015. Collection method: clinical testing. Allele origin: germline. Observed: 18 variant alleles.
Comment: BA1, BP4, BP7

Eurofins Ntd Llc (ga)
Classification: Benign. Last evaluated: 2014-09-30. Review status: criteria provided, single submitter. Criteria: EGL Classification Definitions 2015. Collection method: clinical testing. Allele origin: germline.

Natera, Inc.
Classification: Benign for Nemaline myopathy type 2. Last evaluated: 2020-09-16. Review status: no assertion criteria provided. Collection method: clinical testing. Allele origin: germline. Not counted in ClinVar's aggregate classification.

NM_001164508.2(NEB):c.17635-3del

Gene: NEB (nebulin; minus strand). Cytogenetic location: 2q23.3.
Variant type: Deletion.
Coding change: c.17635-3del on transcript NM_001164508.2 (MANE Select); 3 bases into the intron before coding-DNA position 17635, one base deleted (T; older notation c.17635-3delT).
Molecular consequence: intron variant.
Genome position (GRCh38, 1-based): chr2:151,568,420, A deleted on the plus strand (T on the coding strand, the reverse complement: NEB is on the minus strand); the first of 13 consecutive A bases (chr2:151,568,420-151,568,432); deleting any one gives the same sequence. VCF-style (leftmost placement, unchanged base first): chr2-151568419-TA-T. GRCh37 (hg19) VCF-style: chr2-152424933-TA-T.
Other names: p.?; c.12532-3del (NM_004543.5); c.17635-3del (NM_001164507.2, NM_001271208.2); c.17635-3delT (NM_001271208.2).
Identifiers: ClinVar variation 198959 (VCV000198959.23), dbSNP rs3214503, ClinGen allele CA203685.